The following is an entry in ClinVar:

NM_000083.3(CLCN1):c.1205C>T (p.Ala402Val)

Gene: CLCN1 (chloride voltage-gated channel 1; plus strand). Cytogenetic location: 7q34.
Variant type: single nucleotide variant.
Coding change: c.1205C>T on transcript NM_000083.3 (MANE Select); coding-DNA position 1205, C replaced by T.
Protein change: p.Ala402Val; replaces alanine 402 with valine.
Molecular consequence: missense variant. On other transcripts: non-coding transcript variant (1).
Genome position (GRCh38, 1-based): chr7:143,332,457, C>T. VCF-style: chr7-143332457-C-T. GRCh37 (hg19) VCF-style: chr7-143029550-C-T.
Other names: short protein forms A402V.
Identifiers: ClinVar variation 359107 (VCV000359107.25), dbSNP rs202119213, ClinGen allele CA4537279.

ClinVar aggregate classification (germline): Conflicting classifications of pathogenicity. Review status: criteria provided, conflicting classifications (1 of 4 stars). 7 submissions from 7 submitters: Uncertain significance (5); Likely benign (2). Last evaluated 2026-01-20.

Conditions:
Congenital myotonia, autosomal dominant form (THD). Also called: THOMSEN DISEASE; Myotonia congenita autosomal dominant. Identifiers: Orphanet 614, MedGen C2936781, MONDO:0008055, OMIM 160800.
Congenital myotonia, autosomal recessive form. Also called: myotonia congenita, autosomal recessive; BECKER DISEASE; Becker Generalized Myotonia. Identifiers: Orphanet 614, MedGen C0751360, MONDO:0009715, OMIM 255700.
Batten-Turner congenital myopathy. Also called: Myotonia congenita; Congenital myotonia. Identifiers: Orphanet 206973, MedGen C0027127, MONDO:0100468, OMIM 255300.

Allele frequency attached by ClinVar (database versions not stated): gnomAD exomes 0.00007 and 0.00035; gnomAD 0.00009 and 0.00011; TOPMed 0.00011; ExAC 0.00030; 1000 Genomes Project 0.00060; 1000 Genomes Project 30x 0.00062.
gnomAD v4.1: 121 of 1,614,076 alleles (0.0075%); highest among the groups gnomAD compares: East Asian, 0.24%; no homozygotes.

Submissions (7):

Labcorp Genetics (formerly Invitae), Labcorp
Classification: Likely benign for Congenital myotonia, autosomal recessive form; Congenital myotonia, autosomal dominant form. Last evaluated: 2026-01-20. Review status: criteria provided, single submitter. Criteria: Invitae Variant Classification Sherloc (09022015). Collection method: clinical testing. Allele origin: germline.

Blueprint Genetics
Classification: Uncertain significance. Last evaluated: 2024-07-19. Review status: criteria provided, single submitter. Criteria: ACMG Guidelines, 2015. Collection method: clinical testing. Allele origin: germline.

Revvity Omics, Revvity
Classification: Uncertain significance. Last evaluated: 2021-05-06. Review status: criteria provided, single submitter. Criteria: ACMG Guidelines, 2015. Collection method: clinical testing. Allele origin: germline.

Athena Diagnostics
Classification: Uncertain significance. Last evaluated: 2019-08-02. Review status: criteria provided, single submitter. Criteria: Athena Diagnostics Criteria. Collection method: clinical testing. Allele origin: germline.

Illumina Laboratory Services, Illumina
Classification: Likely benign for Myotonia congenita. Last evaluated: 2017-04-27. Review status: criteria provided, single submitter. Criteria: ICSL Variant Classification Criteria 13 December 2019. Collection method: clinical testing. Allele origin: germline.
Comment: This variant was observed as part of a predisposition screen in an ostensibly healthy population. A literature search was performed for the gene, cDNA change, and amino acid change (where applicable). Publications were found based on this search. The evidence from the literature, in combination with allele frequency data from public databases where available, was sufficient to determine this variant is unlikely to cause disease. Therefore, this variant is classified as likely benign.

GeneDx
Classification: Uncertain significance. Last evaluated: 2016-06-08. Review status: criteria provided, single submitter. Criteria: GeneDx Variant Classification (06012015). Collection method: clinical testing. Allele origin: germline. Affected: yes.
Comment: The A402V variant was previously reported in a patient with possible myotonia congenita (Fialho et al., 2007), and in two patients with a presumptive diagnosis of paroxysmal kinesigenic dyskinesia (Wang et al., 2016), however, functional studies were not completed in either publication. The A402V variant was not observed in approximately 6,500 individuals of European and African American ancestry in the NHLBI Exome Sequencing Project; however, A402V was reported in the 1000 Genomes Project in 3/1008 (0.3%) alleles from individuals of East Asian background. The A402V variant is a conservative amino acid substitution, which is not likely to impact secondary protein structure as these residues share similar properties. However, this substitution occurs at a position that is conserved in mammals, and missense variants in nearby residues (T398I; P408A) have been reported in the Human Gene Mutation Database in association with myotonia congenita (Stenson et al., 2014). In silico analysis predicts this variant is probably damaging to the protein structure/function.

Juno Genomics, Hangzhou Juno Genomics, Inc
Classification: Uncertain significance for Congenital myotonia, autosomal dominant form; Congenital myotonia, autosomal recessive form. Review status: criteria provided, single submitter. Criteria: ACMG Guidelines, 2015. Collection method: clinical testing. Allele origin: germline. Affected: yes.
Comment: Multiple lines of computational evidence support a deleterious effect on the gene or gene product (conservation, evolutionary, splicing impact, etc).;For recessive disorders, detected in trans with a pathogenic variant.;The prevalence of the variant in affected individuals is significantly increased compared to the prevalence in controls.;Observed in a healthy adult individual for a recessive (homozygous), dominant (heterozygous), or X-linked (hemizygous) disorder with full penetrance expected at an early age.

Literature cited by the submitters: PubMed 27098784 (cited by Athena Diagnostics); PubMed 27415035 (cited by Athena Diagnostics); PubMed 17932099 (cited by Athena Diagnostics and Illumina Laboratory Services, Illumina); PubMed 27066551 (cited by Athena Diagnostics).